The following is an entry in ClinVar:

ClinVar aggregate classification (germline): Uncertain significance (1 of 4 stars; one submission).

Submission:

CeGaT Center for Human Genetics Tuebingen
Classification: Uncertain significance. Last evaluated: 2026-09-01. Review status: criteria provided, single submitter. Criteria: CeGaT Center For Human Genetics Tuebingen Variant Classification Criteria Version 2. Collection method: clinical testing. Allele origin: germline. Affected: yes. Observed: 1 variant allele.
Comment: MYH7: PM2, BP4

NM_000257.4(MYH7):c.1408-7C>T

Gene: MYH7 (myosin heavy chain 7; minus strand). Cytogenetic location: 14q11.2.
Variant type: single nucleotide variant.
Coding change: c.1408-7C>T on transcript NM_000257.4 (MANE Select); 7 bases into the intron before coding-DNA position 1408, C replaced by T.
Molecular consequence: intron variant.
Genome position (GRCh38, 1-based): chr14:23,428,677, G>A on the plus strand (C>T on the coding strand, the complement: MYH7 is on the minus strand). VCF-style: chr14-23428677-G-A. GRCh37 (hg19) VCF-style: chr14-23897886-G-A.
Other names: c.1408-7C>T (NM_001407004.1).
Identifiers: ClinVar variation 5041456 (VCV005041456.1).